The following is an entry in ClinVar:

ClinVar aggregate classification (germline): Likely benign (1 of 4 stars; one submission).

Conditions:
Intellectual developmental disorder, X-linked 104. Also called: Intellectual disability, X-linked 104. Identifiers: MedGen C4310817, MONDO:0010509, OMIM 300983.

gnomAD v4.1: 7 of 1,208,812 alleles (0.00058%); highest among the groups gnomAD compares: Middle Eastern, 0.023%; no homozygotes.

Submission:

Juno Genomics, Hangzhou Juno Genomics, Inc
Classification: Likely benign for Intellectual developmental disorder, X-linked 104. Review status: criteria provided, single submitter. Criteria: ACMG Guidelines, 2015. Collection method: clinical testing. Allele origin: germline.
Comment: Observed in a healthy adult individual for a recessive/dominant/X-linked disorder with full penetrance.

NM_001368397.1(FRMPD4):c.187G>C (p.Asp63His)

Gene: FRMPD4 (FERM and PDZ domain containing 4; plus strand). Cytogenetic location: Xp22.2.
Variant type: single nucleotide variant.
Coding change: c.187G>C on transcript NM_001368397.1 (MANE Select); coding-DNA position 187, G replaced by C.
Protein change: p.Asp63His; replaces aspartic acid 63 with histidine.
Molecular consequence: missense variant.
Genome position (GRCh38, 1-based): chrX:12,609,749, G>C. VCF-style: chrX-12609749-G-C. GRCh37 (hg19) VCF-style: chrX-12627868-G-C.
Other names: c.298G>C, p.Asp100His (NM_001368395.3, NM_001368398.3); c.187G>C, p.Asp63His (NM_001368396.3, NM_014728.3); c.178G>C, p.Asp60His (NM_001368399.3); c.67G>C, p.Asp23His (NM_001368400.3); c.163G>C, p.Asp55His (NM_001368401.1, NM_001368402.3); short protein forms D100H, D23H, D55H, D60H, D63H.
Identifiers: ClinVar variation 5018934 (VCV005018934.2).
Genomic context (GRCh38, chrX:12,609,749, plus strand): 5'-CCTTGTTTCTCTTGTATGTGCTTTCTCCACAGTCACATGACACAGGCAATCCCTTTTGAC[G>C]ACCCTCGGTTAGAGAGCTGCCAAATCATCCCTCCGGCTCCTCGGAAGGTGGAGATGAGAA-3'
Protein context (NP_001355326.1, residues 53-73): NHMTQAIPFD[Asp63His]PRLESCQIIP